The following is an entry in ClinVar:

ClinVar aggregate classification (germline): Likely benign (1 of 4 stars; one submission).

gnomAD v4.1: 2 of 1,003,698 alleles (0.0002%); highest among the groups gnomAD compares: Admixed American, 0.0055%; no homozygotes.

Submission:

CeGaT Center for Human Genetics Tuebingen
Classification: Likely benign. Last evaluated: 2025-06-01. Review status: criteria provided, single submitter. Criteria: CeGaT Center For Human Genetics Tuebingen Variant Classification Criteria Version 2. Collection method: clinical testing. Allele origin: germline. Affected: yes. Observed: 1 variant allele.
Comment: CTBP1: BP4

NM_001012614.2(CTBP1):c.-232C>T

Genes: CTBP1 (C-terminal binding protein 1; minus strand), LOC129991984 (ATAC-STARR-seq lymphoblastoid silent region 15125; plus strand). Cytogenetic location: 4p16.3.
Variant type: single nucleotide variant.
Coding change: c.-232C>T on transcript NM_001012614.2 (MANE Select); 232 bases upstream of the start codon, C replaced by T.
Molecular consequence: 5 prime UTR variant. On other transcripts: intron variant (4).
Genome position (GRCh38, 1-based): chr4:1,248,959, G>A on the plus strand (C>T on the coding strand, the complement: CTBP1 is on the minus strand). VCF-style: chr4-1248959-G-A. GRCh37 (hg19) VCF-style: chr4-1242747-G-A.
Other names: c.-4C>T (NM_001328.3, NM_001377186.1); c.-232C>T (NM_001377187.1); c.-189+1201C>T (NM_001377192.1, NM_001377189.1); c.-189+690C>T (NM_001377193.1, NM_001377190.1).
Identifiers: ClinVar variation 3905527 (VCV003905527.10).